The following is an entry in ClinVar:

NM_000264.5(PTCH1):c.3679T>A (p.Ser1227Thr)

Gene: PTCH1 (patched 1; minus strand). Cytogenetic location: 9q22.32.
Variant type: single nucleotide variant.
Coding change: c.3679T>A on transcript NM_000264.5 (MANE Select); coding-DNA position 3679, T replaced by A.
Protein change: p.Ser1227Thr; replaces serine 1227 with threonine.
Molecular consequence: missense variant. On other transcripts: non-coding transcript variant (1).
Genome position (GRCh38, 1-based): chr9:95,449,194, A>T on the plus strand (T>A on the coding strand, the complement: PTCH1 is on the minus strand). VCF-style: chr9-95449194-A-T. GRCh37 (hg19) VCF-style: chr9-98211476-A-T.
Other names: c.3481T>A, p.Ser1161Thr (NM_001083602.3); c.3676T>A, p.Ser1226Thr (NM_001083603.3); c.3226T>A, p.Ser1076Thr (NM_001083604.3, NM_001083605.3, NM_001083606.3 and 1 more transcripts); c.3523T>A, p.Ser1175Thr (NM_001354918.2); short protein forms S1175T, S1227T, S1161T, S1076T, S1226T.
Identifiers: ClinVar variation 3784589 (VCV003784589.1).

ClinVar aggregate classification (germline): Uncertain significance (1 of 4 stars; one submission).

Conditions:
Hereditary cancer-predisposing syndrome. Also called: Neoplastic Syndromes, Hereditary; Hereditary Cancer Syndrome; Tumor predisposition; Hereditary neoplastic syndrome. Identifiers: Orphanet 140162, MedGen C0027672, MeSH D009386, MONDO:0015356.

Submission:

Ambry Genetics
Classification: Uncertain significance for Hereditary cancer-predisposing syndrome. Last evaluated: 2024-12-12. Review status: criteria provided, single submitter. Criteria: Ambry Variant Classification Scheme 2023. Collection method: clinical testing. Allele origin: germline.
Comment: The p.S1227T variant (also known as c.3679T>A), located in coding exon 22 of the PTCH1 gene, results from a T to A substitution at nucleotide position 3679. The serine at codon 1227 is replaced by threonine, an amino acid with similar properties. This amino acid position is conserved. In addition, the in silico prediction for this alteration is inconclusive. Based on the available evidence, the clinical significance of this variant remains unclear.